The following is an entry in ClinVar:

NM_001365951.3(KIF1B):c.4076C>G (p.Ala1359Gly)

Gene: KIF1B (kinesin family member 1B; plus strand). Cytogenetic location: 1p36.22.
Variant type: single nucleotide variant.
Coding change: c.4076C>G on transcript NM_001365951.3 (MANE Select); coding-DNA position 4076, C replaced by G.
Protein change: p.Ala1359Gly; replaces alanine 1359 with glycine.
Molecular consequence: missense variant.
Genome position (GRCh38, 1-based): chr1:10,360,949, C>G. VCF-style: chr1-10360949-C-G. GRCh37 (hg19) VCF-style: chr1-10421007-C-G.
Other names: c.4076C>G, p.Ala1359Gly (NM_001365952.1); c.3938C>G, p.Ala1313Gly (NM_015074.3); short protein forms A1313G, A1359G.
Identifiers: ClinVar variation 4844658 (VCV004844658.1).
Genomic context (GRCh38, chr1:10,360,949, plus strand): 5'-GCTTCTTTTGGATGATTCCCTCTTGTCTTTCTGACCTTAGGACCTTCTACCGCTTTGAGG[C>G]TGTGTGGGATAGCTCTCTGCATAACTCCCTTCTTCTGAACCGAGTGACACCCTATGGAGA-3'
Protein context (NP_001352880.1, residues 1349-1369): NSSRTFYRFE[Ala1359Gly]VWDSSLHNSL

ClinVar aggregate classification (germline): Uncertain significance (1 of 4 stars; one submission).

gnomAD v4.1: 1 of 1,613,512 alleles (0.000062%); highest among the groups gnomAD compares: Non-Finnish European, 0.000085%; no homozygotes.

Submission:

Ambry Genetics
Classification: Uncertain significance. Last evaluated: 2026-01-17. Review status: criteria provided, single submitter. Criteria: Ambry Variant Classification Scheme 2023. Collection method: clinical testing. Allele origin: germline.
Comment: The p.A1313G variant (also known as c.3938C>G), located in coding exon 36 of the KIF1B gene, results from a C to G substitution at nucleotide position 3938. The alanine at codon 1313 is replaced by glycine, an amino acid with similar properties. This amino acid position is conserved. In addition, the in silico prediction for this alteration is inconclusive. Based on the available evidence, the clinical significance of this variant remains unclear.